The following is an entry in ClinVar:

NM_001114753.3(ENG):c.108C>T (p.Gly36=)

Gene: ENG (endoglin; minus strand). Cytogenetic location: 9q34.11.
Variant type: single nucleotide variant.
Coding change: c.108C>T on transcript NM_001114753.3 (MANE Select); coding-DNA position 108, C replaced by T.
Protein change: p.Gly36=; no amino-acid change (glycine 36 retained).
Molecular consequence: synonymous variant. On other transcripts: 5 prime UTR variant (1).
Genome position (GRCh38, 1-based): chr9:127,843,205, G>A on the plus strand (C>T on the coding strand, the complement: ENG is on the minus strand). VCF-style: chr9-127843205-G-A. GRCh37 (hg19) VCF-style: chr9-130605484-G-A.
Other names: c.108C>T, p.Gly36= (NM_000118.4, NM_001406715.1); c.-439C>T (NM_001278138.2); c.108C>T (NM_001114753.1).
Identifiers: ClinVar variation 1164594 (VCV001164594.13), dbSNP rs748898883, ClinGen allele CA5253231.

ClinVar aggregate classification (germline): Benign/Likely benign. Review status: criteria provided, multiple submitters, no conflicts (2 of 4 stars). 4 submissions from 4 submitters: Benign (2); Likely benign (2). Last evaluated 2025-11-25.

Conditions:
Hereditary hemorrhagic telangiectasia (HHT). Also called: Osler hemorrhagic telangiectasia syndrome; ORW DISEASE; Osler Weber Rendu syndrome; OSLER-RENDU-WEBER DISEASE. Identifiers: Orphanet 774, MedGen C0039445, MONDO:0019180. Disease mechanism: loss of function.
Cardiovascular phenotype. Identifiers: MedGen CN230736.
ENG-related disorder. Also called: ENG-related condition; ENG-related disorders.

Allele frequency attached by ClinVar (database versions not stated): gnomAD 0.00001; TOPMed 0.00001; ExAC 0.00004; gnomAD exomes 0.00006.
gnomAD v4.1: 26 of 1,614,118 alleles (0.0016%); highest among the groups gnomAD compares: East Asian, 0.051%; no homozygotes.

Submissions (4):

Labcorp Genetics (formerly Invitae), Labcorp
Classification: Benign for Hereditary hemorrhagic telangiectasia. Last evaluated: 2025-11-25. Review status: criteria provided, single submitter. Criteria: Invitae Variant Classification Sherloc (09022015). Collection method: clinical testing. Allele origin: germline.

PreventionGenetics, part of Exact Sciences
Classification: Likely benign for ENG-related condition. Last evaluated: 2025-10-06. Review status: criteria provided, single submitter. Criteria: ACMG Guidelines, 2015. Collection method: clinical testing. Allele origin: germline.
Comment: This variant is classified as likely benign based on ACMG/AMP sequence variant interpretation guidelines (Richards et al. 2015 PMID: 25741868, with internal and published modifications).

Women's Health and Genetics/Laboratory Corporation of America, LabCorp
Classification: Benign. Last evaluated: 2024-07-02. Review status: criteria provided, single submitter. Criteria: LabCorp Variant Classification Summary - May 2015. Collection method: clinical testing. Allele origin: germline.

Ambry Genetics
Classification: Likely benign for Cardiovascular phenotype. Last evaluated: 2023-12-29. Review status: criteria provided, single submitter. Criteria: Ambry Variant Classification Scheme 2023. Collection method: clinical testing. Allele origin: germline.